The following is an entry in ClinVar:

NM_017763.6(RNF43):c.2100C>G (p.Ile700Met)

Gene: RNF43 (ring finger protein 43; minus strand). Cytogenetic location: 17q22.
Variant type: single nucleotide variant.
Coding change: c.2100C>G on transcript NM_017763.6 (MANE Select); coding-DNA position 2100, C replaced by G.
Protein change: p.Ile700Met; replaces isoleucine 700 with methionine.
Molecular consequence: missense variant.
Genome position (GRCh38, 1-based): chr17:58,357,676, G>C on the plus strand (C>G on the coding strand, the complement: RNF43 is on the minus strand). VCF-style: chr17-58357676-G-C. GRCh37 (hg19) VCF-style: chr17-56435037-G-C.
Other names: c.2100C>G, p.Ile700Met (NM_001305544.3); c.1719C>G, p.Ile573Met (NM_001305545.2); short protein forms I700M, I573M.
Identifiers: ClinVar variation 1362991 (VCV001362991.7), dbSNP rs2143390102, ClinGen allele CA400386213.

ClinVar aggregate classification (germline): Uncertain significance. Review status: criteria provided, multiple submitters, no conflicts (2 of 4 stars). 2 submissions from 2 submitters: Uncertain significance (2). Last evaluated 2024-12-22.

Allele frequency attached by ClinVar (database versions not stated): gnomAD exomes below 0.00001.
gnomAD v4.1: 1 of 1,612,998 alleles (0.000062%); highest among the groups gnomAD compares: Non-Finnish European, 0.000085%; no homozygotes.

Submissions (2):

Ambry Genetics
Classification: Uncertain significance. Last evaluated: 2024-12-22. Review status: criteria provided, single submitter. Criteria: Ambry Variant Classification Scheme 2023. Collection method: clinical testing. Allele origin: germline.
Comment: The p.I700M variant (also known as c.2100C>G), located in coding exon 8 of the RNF43 gene, results from a C to G substitution at nucleotide position 2100. The isoleucine at codon 700 is replaced by methionine, an amino acid with highly similar properties. This amino acid position is conserved. In addition, this alteration is predicted to be tolerated by in silico analysis. Based on the available evidence, the clinical significance of this variant remains unclear.

Labcorp Genetics (formerly Invitae), Labcorp
Classification: Uncertain significance. Last evaluated: 2021-10-31. Review status: criteria provided, single submitter. Criteria: Invitae Variant Classification Sherloc (09022015). Collection method: clinical testing. Allele origin: germline.
Comment: In summary, the available evidence is currently insufficient to determine the role of this variant in disease. Therefore, it has been classified as a Variant of Uncertain Significance. Algorithms developed to predict the effect of missense changes on protein structure and function (SIFT, PolyPhen-2, Align-GVGD) all suggest that this variant is likely to be tolerated. This variant has not been reported in the literature in individuals affected with RNF43-related conditions. This variant is not present in population databases (gnomAD no frequency). This sequence change replaces isoleucine, which is neutral and non-polar, with methionine, which is neutral and non-polar, at codon 700 of the RNF43 protein (p.Ile700Met).